The following is an entry in ClinVar:

ClinVar aggregate classification (germline): Uncertain significance (1 of 4 stars; one submission).

Conditions:
Hereditary cancer-predisposing syndrome. Also called: Tumor predisposition; Hereditary Cancer Syndrome; Neoplastic Syndromes, Hereditary; Hereditary neoplastic syndrome. Identifiers: Orphanet 140162, MedGen C0027672, MeSH D009386, MONDO:0015356.

Submission:

Ambry Genetics
Classification: Uncertain significance for Hereditary cancer-predisposing syndrome. Last evaluated: 2026-02-17. Review status: criteria provided, single submitter. Criteria: Ambry Variant Classification Scheme 2023. Collection method: clinical testing. Allele origin: germline.
Comment: The c.1813-3C>T intronic variant results from a C to T substitution 3 nucleotides upstream from coding exon 11 in the SMARCA4 gene. This nucleotide position is well conserved in available vertebrate species. In silico splice site analysis predicts that this alteration will not have any significant effect on splicing. Based on the available evidence, the clinical significance of this variant remains unclear.

NM_003072.5(SMARCA4):c.1813-3C>T

Gene: SMARCA4 (SWI/SNF related BAF chromatin remodeling complex subunit ATPase 4; plus strand). Cytogenetic location: 19p13.2.
Variant type: single nucleotide variant.
Coding change: c.1813-3C>T on transcript NM_003072.5 (MANE Select); 3 bases into the intron before coding-DNA position 1813, C replaced by T.
Molecular consequence: intron variant.
Genome position (GRCh38, 1-based): chr19:11,003,026, C>T. VCF-style: chr19-11003026-C-T. GRCh37 (hg19) VCF-style: chr19-11113702-C-T.
Other names: c.1813-3C>T (NM_001128844.3, NM_001128849.3, NM_001128847.4 and 5 more transcripts).
Identifiers: ClinVar variation 480688 (VCV000480688.6), dbSNP rs1555768259, ClinGen allele CA658656775.